The following is an entry in ClinVar:

ClinVar aggregate classification (germline): Uncertain significance. Review status: criteria provided, multiple submitters, no conflicts (2 of 4 stars). 2 submissions from 2 submitters: Uncertain significance (2). Last evaluated 2025-08-22.

Conditions:
Infantile spasms. Also called: Infantile spasm. Identifiers: MedGen C3887898, HP:0012469.

Allele frequency attached by ClinVar (database versions not stated): ExAC 0.00001; gnomAD 0.00002; gnomAD exomes 0.00002; TOPMed 0.00002.
gnomAD v4.1: 38 of 1,607,062 alleles (0.0024%); highest among the groups gnomAD compares: South Asian, 0.011%; no homozygotes.

Submissions (2):

Ambry Genetics
Classification: Uncertain significance. Last evaluated: 2025-08-22. Review status: criteria provided, single submitter. Criteria: Ambry Variant Classification Scheme 2023. Collection method: clinical testing. Allele origin: germline.

Labcorp Genetics (formerly Invitae), Labcorp
Classification: Uncertain significance for Infantile spasms. Last evaluated: 2025-08-09. Review status: criteria provided, single submitter. Criteria: Invitae Variant Classification Sherloc (09022015). Collection method: clinical testing. Allele origin: germline.
Comment: This sequence change replaces arginine, which is basic and polar, with tryptophan, which is neutral and slightly polar, at codon 733 of the PIK3AP1 protein (p.Arg733Trp). The frequency data for this variant in the population databases is considered unreliable, as metrics indicate poor data quality at this position in the gnomAD database. This variant has not been reported in the literature in individuals affected with PIK3AP1-related conditions. ClinVar contains an entry for this variant (Variation ID: 946389). An algorithm developed to predict the effect of missense changes on protein structure and function (PolyPhen-2) suggests that this variant is likely to be disruptive. In summary, the available evidence is currently insufficient to determine the role of this variant in disease. Therefore, it has been classified as a Variant of Uncertain Significance.

NM_152309.3(PIK3AP1):c.2197C>T (p.Arg733Trp)

Gene: PIK3AP1 (phosphoinositide-3-kinase adaptor protein 1; minus strand). Cytogenetic location: 10q24.1.
Variant type: single nucleotide variant.
Coding change: c.2197C>T on transcript NM_152309.3 (MANE Select); coding-DNA position 2197, C replaced by T.
Protein change: p.Arg733Trp; replaces arginine 733 with tryptophan.
Molecular consequence: missense variant.
Genome position (GRCh38, 1-based): chr10:96,604,023, G>A on the plus strand (C>T on the coding strand, the complement: PIK3AP1 is on the minus strand). VCF-style: chr10-96604023-G-A. GRCh37 (hg19) VCF-style: chr10-98363780-G-A.
Other names: short protein forms R733W.
Identifiers: ClinVar variation 946389 (VCV000946389.10), dbSNP rs753785564, ClinGen allele CA5626029.